The following is an entry in ClinVar:

NM_017636.4(TRPM4):c.1309C>T (p.Arg437Trp)

Gene: TRPM4 (transient receptor potential cation channel subfamily M member 4; plus strand). Cytogenetic location: 19q13.33.
Variant type: single nucleotide variant.
Coding change: c.1309C>T on transcript NM_017636.4 (MANE Select); coding-DNA position 1309, C replaced by T.
Protein change: p.Arg437Trp; replaces arginine 437 with tryptophan.
Molecular consequence: missense variant. On other transcripts: 5 prime UTR variant (1).
Genome position (GRCh38, 1-based): chr19:49,182,623, C>T. VCF-style: chr19-49182623-C-T. GRCh37 (hg19) VCF-style: chr19-49685880-C-T.
Other names: c.1309C>T (NM_017636.3); c.1309C>T, p.Arg437Trp (NM_001195227.2); c.964C>T, p.Arg322Trp (NM_001321281.2); c.-245C>T (NM_001321282.2); c.787C>T, p.Arg263Trp (NM_001321283.2); c.247C>T, p.Arg83Trp (NM_001321285.2); short protein forms R437W, R83W, R263W, R322W.
Identifiers: ClinVar variation 1506567 (VCV001506567.7), dbSNP rs540785901, ClinGen allele CA9569165.

ClinVar aggregate classification (germline): Uncertain significance. Review status: criteria provided, multiple submitters, no conflicts (2 of 4 stars). 2 submissions from 2 submitters: Uncertain significance (2). Last evaluated 2024-01-09.

Conditions:
Progressive familial heart block type IB (PFHB1B). Identifiers: Orphanet 871, MedGen C1970298, MONDO:0011474, OMIM 604559.

Allele frequency attached by ClinVar (database versions not stated): ExAC 0.00001; gnomAD 0.00001; TOPMed 0.00001.
gnomAD v4.1: 6 of 1,614,026 alleles (0.00037%); highest among the groups gnomAD compares: Admixed American, 0.0033%; no homozygotes.

Submissions (2):

GeneDx
Classification: Uncertain significance. Last evaluated: 2024-01-09. Review status: criteria provided, single submitter. Criteria: GeneDx Variant Classification Process June 2021. Collection method: clinical testing. Allele origin: germline. Affected: yes.
Comment: Not observed at significant frequency in large population cohorts (gnomAD); In silico analysis supports that this missense variant has a deleterious effect on protein structure/function; Has not been previously published as pathogenic or benign to our knowledge; This variant is associated with the following publications: (PMID: 38100498)

Labcorp Genetics (formerly Invitae), Labcorp
Classification: Uncertain significance for Progressive familial heart block type IB. Last evaluated: 2022-05-12. Review status: criteria provided, single submitter. Criteria: Invitae Variant Classification Sherloc (09022015). Collection method: clinical testing. Allele origin: germline.
Comment: This variant has not been reported in the literature in individuals affected with TRPM4-related conditions. Algorithms developed to predict the effect of missense changes on protein structure and function are either unavailable or do not agree on the potential impact of this missense change (SIFT: "Deleterious"; PolyPhen-2: "Probably Damaging"; Align-GVGD: "Class C0"). In summary, the available evidence is currently insufficient to determine the role of this variant in disease. Therefore, it has been classified as a Variant of Uncertain Significance. This sequence change replaces arginine, which is basic and polar, with tryptophan, which is neutral and slightly polar, at codon 437 of the TRPM4 protein (p.Arg437Trp). This variant is present in population databases (rs540785901, gnomAD 0.003%).